The following is an entry in ClinVar:

NM_024408.4(NOTCH2):c.4897G>A (p.Val1633Ile)

Gene: NOTCH2 (notch receptor 2; minus strand). Cytogenetic location: 1p12.
Variant type: single nucleotide variant.
Coding change: c.4897G>A on transcript NM_024408.4 (MANE Select); coding-DNA position 4897, G replaced by A.
Protein change: p.Val1633Ile; replaces valine 1633 with isoleucine.
Molecular consequence: missense variant.
Genome position (GRCh38, 1-based): chr1:119,922,741, C>T on the plus strand (G>A on the coding strand, the complement: NOTCH2 is on the minus strand). VCF-style: chr1-119922741-C-T. GRCh37 (hg19) VCF-style: chr1-120465364-C-T.
Other names: p.Val1633Ile; short protein forms V1633I.
Identifiers: ClinVar variation 283843 (VCV000283843.38), dbSNP rs116321057, ClinGen allele CA1039771.

ClinVar aggregate classification (germline): Conflicting classifications of pathogenicity. Review status: criteria provided, conflicting classifications (1 of 4 stars). 8 submissions from 8 submitters: Uncertain significance (1); Benign (1); Likely benign (5). 1 of the submissions does not count toward it. Last evaluated 2026-01-23.

Conditions:
NOTCH2-related disorder. Also called: NOTCH2-related condition.
Hajdu-Cheney syndrome (HJCYS). Also called: ACROOSTEOLYSIS WITH OSTEOPOROSIS AND CHANGES IN SKULL AND MANDIBLE; Acroosteolysis dominant type; SERPENTINE FIBULA-POLYCYSTIC KIDNEY SYNDROME. Identifiers: Orphanet 955, MedGen C0917715, MONDO:0007057, OMIM 102500.

Allele frequency attached by ClinVar (database versions not stated): 1000 Genomes Project 0.00020; 1000 Genomes Project 30x 0.00031; ExAC 0.00044; gnomAD exomes 0.00057 and 0.00085; TOPMed 0.00076; gnomAD 0.00082 and 0.00085; ESP Exome Variant Server 0.00100.
gnomAD v4.1: 1,347 of 1,614,184 alleles (0.083%); highest among the groups gnomAD compares: Non-Finnish European, 0.11%; 1 homozygote.

Submissions (8):

Labcorp Genetics (formerly Invitae), Labcorp
Classification: Likely benign for Hajdu-Cheney syndrome. Last evaluated: 2026-01-23. Review status: criteria provided, single submitter. Criteria: Invitae Variant Classification Sherloc (09022015). Collection method: clinical testing. Allele origin: germline.

Mayo Clinic Laboratories, Mayo Clinic
Classification: Likely benign. Last evaluated: 2025-09-03. Review status: criteria provided, single submitter. Criteria: ACMG Guidelines, 2015. Collection method: clinical testing. Allele origin: germline. Observed: 1 variant allele.
Comment: BS1, BP4_moderate

CeGaT Center for Human Genetics Tuebingen
Classification: Likely benign. Last evaluated: 2025-09-01. Review status: criteria provided, single submitter. Criteria: CeGaT Center For Human Genetics Tuebingen Variant Classification Criteria Version 2. Collection method: clinical testing. Allele origin: germline. Affected: yes. Observed: 5 variant alleles.
Comment: NOTCH2: BP4, BS1

Laboratory of Genetics, Children's Clinical University Hospital Latvia
Classification: Likely benign. Last evaluated: 2025-02-16. Review status: criteria provided, single submitter. Criteria: ACMG Guidelines, 2015. Collection method: clinical testing. Allele origin: germline. Affected: yes.

Blueprint Genetics
Classification: Benign. Last evaluated: 2024-11-26. Review status: criteria provided, single submitter. Criteria: ACMG Guidelines, 2015. Collection method: clinical testing. Allele origin: germline.

GeneDx
Classification: Uncertain significance. Last evaluated: 2019-09-24. Review status: criteria provided, single submitter. Criteria: GeneDx Variant Classification Process June 2021. Collection method: clinical testing. Allele origin: germline. Affected: yes.
Comment: In silico analysis, which includes protein predictors and evolutionary conservation, supports that this variant does not alter protein structure/function; Observed in an individual with primary open-angle glaucoma (Jakobsson et al., 2015); This variant is associated with the following publications: (PMID: 25902091)

Eurofins Ntd Llc (ga)
Classification: Likely benign. Last evaluated: 2017-05-30. Review status: criteria provided, single submitter. Criteria: EGL Classification Definitions 2015. Collection method: clinical testing. Allele origin: germline. Observed: 4 variant alleles, 4 heterozygotes.

PreventionGenetics, part of Exact Sciences
Classification: Likely benign for NOTCH2-related condition. Last evaluated: 2022-04-06. Review status: no assertion criteria provided. Collection method: clinical testing. Allele origin: germline. Not counted in ClinVar's aggregate classification.
Comment: This variant is classified as likely benign based on ACMG/AMP sequence variant interpretation guidelines (Richards et al. 2015 PMID: 25741868, with internal and published modifications).